The following is an entry in ClinVar:

ClinVar aggregate classification (germline): Likely benign. Review status: criteria provided, multiple submitters, no conflicts (2 of 4 stars). 2 submissions from 2 submitters: Likely benign (2). Last evaluated 2018-01-12.

Conditions:
Desmosterolosis. Identifiers: Orphanet 35107, MedGen C1865596, MONDO:0011217, OMIM 602398.

Allele frequency attached by ClinVar (database versions not stated): gnomAD 0.00057 and 0.00071; gnomAD exomes 0.00085; 1000 Genomes Project 0.00180; TOPMed 0.00101; 1000 Genomes Project 30x 0.00187.

Submissions (2):

Illumina Laboratory Services, Illumina
Classification: Likely benign for Desmosterolosis. Last evaluated: 2018-01-12. Review status: criteria provided, single submitter. Criteria: ICSL Variant Classification Criteria 13 December 2019. Collection method: clinical testing. Allele origin: germline.
Comment: This variant was observed in the ICSL laboratory as part of a predisposition screen in an ostensibly healthy population. It had not been previously curated by ICSL or reported in the Human Gene Mutation Database (HGMD: prior to June 1st, 2018), and was therefore a candidate for classification through an automated scoring system. Utilizing variant allele frequency, disease prevalence and penetrance estimates, and inheritance mode, an automated score was calculated to assess if this variant is too frequent to cause the disease. Based on the score and internal cut-off values, a variant classified as likely benign is not then subjected to further curation. The score for this variant resulted in a classification of likely benign for this disease.

Breakthrough Genomics
Classification: Likely benign. Review status: criteria provided, single submitter. Criteria: ACMG Guidelines, 2015. Collection method: not provided. Allele origin: germline. Inheritance: Autosomal recessive inheritance. Affected: yes.

NM_014762.4(DHCR24):c.*393G>A

Gene: DHCR24 (24-dehydrocholesterol reductase; minus strand). Cytogenetic location: 1p32.3.
Variant type: single nucleotide variant.
Coding change: c.*393G>A on transcript NM_014762.4 (MANE Select); 393 bases downstream of the stop codon, G replaced by A.
Molecular consequence: 3 prime UTR variant.
Genome position (GRCh38, 1-based): chr1:54,851,840, C>T on the plus strand (G>A on the coding strand, the complement: DHCR24 is on the minus strand). VCF-style: chr1-54851840-C-T. GRCh37 (hg19) VCF-style: chr1-55317513-C-T.
Identifiers: ClinVar variation 297643 (VCV000297643.6), dbSNP rs146650872, ClinGen allele CA10610135.